The following is an entry in ClinVar:

ClinVar aggregate classification (germline): Pathogenic/Likely pathogenic. Review status: criteria provided, multiple submitters, no conflicts (2 of 4 stars). 18 submissions from 18 submitters: Pathogenic (11); Likely pathogenic (6). 1 of the submissions does not count toward it. Last evaluated 2026-04-16.

Conditions:
Inborn genetic diseases. Identifiers: MedGen C0950123, MeSH D030342.
Combined oxidative phosphorylation deficiency 32 (COXPD32). Identifiers: MedGen C4540029, MONDO:0054654, OMIM 617664.
MRPS34-related disorder. Also called: MRPS34-related condition.

Allele frequency attached by ClinVar (database versions not stated): 1000 Genomes Project 30x 0.00016; gnomAD exomes 0.00044 and 0.00134; gnomAD 0.00070 and 0.00071; TOPMed 0.00070; ExAC 0.00340.
gnomAD v4.1: 1,789 of 1,442,020 alleles (0.12%); highest among the groups gnomAD compares: Non-Finnish European, 0.16%; no homozygotes.

Submissions (18):

Dasa
Classification: Pathogenic. Last evaluated: 2026-04-16. Review status: criteria provided, single submitter. Criteria: DASA Assertion Criteria. Collection method: clinical testing. Allele origin: germline.
Comment: NM_023936.2(MRPS34):c.94C>T (p.Gln32*) introduces a premature stop codon predicted to result in loss of normal protein function. Loss-of-function is an established mechanism of disease for this gene, with reports in individuals with combined oxidative phosphorylation deficiency 32. Based on the available data, this variant is classified as pathogenic.

Labcorp Genetics (formerly Invitae), Labcorp
Classification: Pathogenic. Last evaluated: 2026-01-12. Review status: criteria provided, single submitter. Criteria: Invitae Variant Classification Sherloc (09022015). Collection method: clinical testing. Allele origin: germline.
Comment: This sequence change creates a premature translational stop signal (p.Gln32*) in the MRPS34 gene. It is expected to result in an absent or disrupted protein product. Loss-of-function variants in MRPS34 are known to be pathogenic (PMID: 28777931). This variant is present in population databases (rs763672163, gnomAD 0.1%). This premature translational stop signal has been observed in individuals with Leigh syndrome, transient metabolic acidosis and hemodynamic instability related to tubulopathy (PMID: 28777931). ClinVar contains an entry for this variant (Variation ID: 438635). For these reasons, this variant has been classified as Pathogenic.

GeneDx
Classification: Pathogenic. Last evaluated: 2026-01-08. Review status: criteria provided, single submitter. Criteria: GeneDx Variant Classification Process June 2021. Collection method: clinical testing. Allele origin: germline. Affected: yes.
Comment: Nonsense variant predicted to result in protein truncation or nonsense mediated decay in a gene for which loss of function is a known mechanism of disease; This variant is associated with the following publications: (PMID: 28777931, 30358850, 30566640, 37385809, 35326425, 40717768)

PreventionGenetics, part of Exact Sciences
Classification: Pathogenic for MRPS34-related condition. Last evaluated: 2025-10-31. Review status: criteria provided, single submitter. Criteria: ACMG Guidelines, 2015. Collection method: clinical testing. Allele origin: germline.
Comment: The MRPS34 c.94C>T variant is predicted to result in premature protein termination (p.Gln32*). This variant was reported in an individual with Leigh syndrome (Lake et al. 2017. PubMed ID: 28777931; Shen et al. 2023. PubMed ID: 37385809). This variant is reported in 0.099% of alleles in individuals of European (Non-Finnish) descent in gnomAD. Nonsense variants in MRPS34 are expected to be pathogenic. This variant is interpreted as pathogenic.

Blueprint Genetics
Classification: Likely pathogenic for MRPS34-related disorders. Last evaluated: 2024-09-11. Review status: criteria provided, single submitter. Criteria: ACMG Guidelines, 2015. Collection method: clinical testing. Allele origin: germline. Affected: yes. Observed: 5 variant alleles.

Ambry Genetics
Classification: Pathogenic for Inborn genetic diseases. Last evaluated: 2024-07-25. Review status: criteria provided, single submitter. Criteria: Ambry Variant Classification Scheme 2023. Collection method: clinical testing. Allele origin: germline.
Comment: The c.94C>T (p.Q32*) alteration, located in exon 1 (coding exon 1) of the MRPS34 gene, consists of a C to T substitution at nucleotide position 94. This changes the amino acid from a glutamine (Q) to a stop codon at amino acid position 32. This alteration is expected to result in loss of function by premature protein truncation or nonsense-mediated mRNA decay. Based on data from gnomAD, the T allele has an overall frequency of 0.046% (39/83970) total alleles studied. The highest observed frequency was 0.099% (33/33412) of European (non-Finnish) alleles. This variant has been identified in the homozygous state and/or in conjunction with other MRPS34 variant(s) in individual(s) with features consistent with MRPS34-related combined oxidative phosphorylation deficiency; in at least one instance, the variants were identified in trans (Lake, 2017; Shen, 2023). In an assay testing MRPS34 function, this variant showed a functionally abnormal result (Lake, 2017). Based on the available evidence, this alteration is classified as pathogenic.

Women's Health and Genetics/Laboratory Corporation of America, LabCorp
Classification: Pathogenic for Combined oxidative phosphorylation deficiency 32. Last evaluated: 2024-03-06. Review status: criteria provided, single submitter. Criteria: LabCorp Variant Classification Summary - May 2015. Collection method: clinical testing. Allele origin: germline.
Comment: Variant summary: MRPS34 c.94C>T (p.Gln32X) results in a premature termination codon, predicted to cause a truncation of the encoded protein or absence of the protein due to nonsense mediated decay, which are commonly known mechanisms for disease. The variant allele was found at a frequency of 0.00044 in 52648 control chromosomes (gnomAD). c.94C>T has been reported in the literature in individuals affected with Combined Oxidative Phosphorylation Deficiency 32 or Leigh syndrome (Lake_2017, Shen_2023). Western blot analysis using fibroblasts from one patient showed a significant reduction in the MRPS34 protein, as well as reduction in complexes CI and CIV (Lake_2017). The following publications have been ascertained in the context of this evaluation (PMID: 28777931, 35326425, 37385809). ClinVar contains an entry for this variant (Variation ID: 438635). Based on the evidence outlined above, the variant was classified as pathogenic.

Genetic Services Laboratory, University of Chicago
Classification: Likely pathogenic. Last evaluated: 2024-01-26. Review status: criteria provided, single submitter. Criteria: ACMG Guidelines, 2015. Collection method: clinical testing. Allele origin: germline. Affected: yes.
Comment: DNA sequence analysis of the MRPS34 gene demonstrated a sequence change, c.94C>T, which results in the creation of a premature stop codon at amino acid position 32, p.Gln32*. This pathogenic sequence change is predicted to result in an abnormal transcript, which may be degraded, or may lead to the production of a truncated MRPS34 protein with potentially abnormal function. This sequence change has been described in the gnomAD database with a frequency of 0.05% in the overall population (dbSNP rs763672163). This pathogenic sequence change has previously been described in the compound heterozygous state with another likely pathogenic variant in an individual with Leigh syndrome (PMID: 28777931). Collectively, this evidence indicates that this sequence change is likely pathogenic, however functional studies have not been performed to prove this conclusively.

Fulgent Genetics
Classification: Pathogenic for Combined oxidative phosphorylation deficiency 32. Last evaluated: 2024-01-15. Review status: criteria provided, single submitter. Criteria: ACMG Guidelines, 2015. Collection method: clinical testing. Allele origin: germline.

CeGaT Center for Human Genetics Tuebingen
Classification: Likely pathogenic. Last evaluated: 2023-11-01. Review status: criteria provided, single submitter. Criteria: CeGaT Center For Human Genetics Tuebingen Variant Classification Criteria Version 2. Collection method: clinical testing. Allele origin: germline. Affected: yes. Observed: 1 variant allele.

Revvity Omics, Revvity
Classification: Likely pathogenic for Combined oxidative phosphorylation deficiency 32. Last evaluated: 2023-01-12. Review status: criteria provided, single submitter. Criteria: ACMG Guidelines, 2015. Collection method: clinical testing. Allele origin: germline.

Clinical Genetics Laboratory, Skane University Hospital Lund
Classification: Pathogenic. Last evaluated: 2022-05-27. Review status: criteria provided, single submitter. Criteria: ACMG Guidelines, 2015. Collection method: clinical testing. Allele origin: germline. Affected: yes.

MVZ Martinsried, Medicover Genetics
Classification: Pathogenic for Combined oxidative phosphorylation deficiency 32. Last evaluated: 2022-01-04. Review status: criteria provided, single submitter. Criteria: ACGS Guidelines, 2020. Collection method: clinical testing. Allele origin: maternal. Affected: yes.

Greenwood Genetic Center Diagnostic Laboratories, Greenwood Genetic Center
Classification: Likely pathogenic for Combined oxidative phosphorylation deficiency 32. Last evaluated: 2021-05-12. Review status: criteria provided, single submitter. Criteria: ACMG Guidelines, 2015. Collection method: clinical testing. Allele origin: germline. Affected: yes.
Comment: PVS1, PM3

Victorian Clinical Genetics Services, Murdoch Childrens Research Institute
Classification: Pathogenic for Combined oxidative phosphorylation deficiency 32. Last evaluated: 2020-10-19. Review status: criteria provided, single submitter. Criteria: ACMG Guidelines, 2015. Collection method: clinical testing. Allele origin: germline. Inheritance: Autosomal recessive inheritance. Affected: yes.
Comment: Based on the classification scheme VCGS_Germline_v1.3.3, this variant is classified as Pathogenic. Following criteria are met: 0102 - Loss of function is a known mechanism of disease in this gene and is associated with combined oxidative phosphorylation deficiency 32 (MIM#61766). (I) 0106 - This gene is associated with autosomal recessive disease. (I) 0201 - Variant is predicted to cause nonsense-mediated decay (NMD) and loss of protein (premature termination codon is located at least 54 nucleotides upstream of the final exon-exon junction). (SP) 0251 - This variant is heterozygous. (I) 0304 - Variant is present in gnomAD v3 <0.01 for a recessive condition (100 heterozygotes, 0 homozygotes). (SP) 0705 - No comparable NMD-predicted variants have previous evidence for pathogenicity. (I) 0801 - This variant has strong previous evidence of pathogenicity in unrelated individuals. This variant has been reported multiple times as pathogenic or likely pathogenic (ClinVar, LOVD) and has been reported in a single compound heterozygous patient with Leigh's syndrome (PMID: 28777931). (SP) 0905 - No published segregation evidence has been identified for this variant. (I) 1002 - This variant has moderate functional evidence supporting abnormal protein function. Functional studies on patient cells found this variant resulted in reduced OXPHOS levels, mitochondrial protein translation and mitochondrial subunit proteins. (SP) 1208 - Inheritance information for this variant is not currently available in this individual. (I) Legend: (SP) - Supporting pathogenic, (I) - Information, (SB) - Supporting benign

Baylor Genetics
Classification: Pathogenic for Combined oxidative phosphorylation deficiency 32. Last evaluated: 2019-09-27. Review status: criteria provided, single submitter. Criteria: ACMG Guidelines, 2015. Collection method: clinical testing. Allele origin: unknown. Affected: yes.
Comment: This variant was determined to be pathogenic according to ACMG Guidelines, 2015 [PMID:25741868]. This variant has been previously reported as pathogenic [PMID: 28777931, ClinVar ID: 438635]

SIB Swiss Institute of Bioinformatics
Classification: Likely pathogenic for Combined oxidative phosphorylation deficiency 32. Last evaluated: 2018-04-16. Review status: criteria provided, single submitter. Criteria: ACMG Guidelines, 2015. Collection method: curation. Allele origin: germline.
Comment: This variant is interpreted as a Likely Pathogenic, for Combined oxidative phosphorylation deficiency 32, Autosomal Recessive inheritance. The following ACMG Tag(s) were applied: PP3 => Multiple lines of computational evidence support a deleterious effect on the gene or gene product. PS3 => Well-established functional studies show a deleterious effect. PM3-Supporting => PM3 downgraded in strength to Supporting (PMID:28777931).

OMIM
Classification: Pathogenic for COMBINED OXIDATIVE PHOSPHORYLATION DEFICIENCY 32. Last evaluated: 2017-09-15. Review status: no assertion criteria provided. Collection method: literature only. Allele origin: germline. Not counted in ClinVar's aggregate classification.

Literature cited by the submitters: PubMed 28777931 (cited by 8 submitters); PubMed 30566640 (cited by Dasa); PubMed 40717768 (cited by Dasa); PubMed 35326425 (cited by Dasa and Women's Health and Genetics/Laboratory Corporation of America, LabCorp); PubMed 25954003 (cited by Ambry Genetics); PubMed 27618451 (cited by Ambry Genetics); PubMed 28490743 (cited by Ambry Genetics); PubMed 37385809 (cited by Ambry Genetics and Women's Health and Genetics/Laboratory Corporation of America, LabCorp).

NM_023936.2(MRPS34):c.94C>T (p.Gln32Ter)

Genes: EME2 (essential meiotic structure-specific endonuclease subunit 2; plus strand), MRPS34 (mitochondrial ribosomal protein S34; minus strand). Cytogenetic location: 16p13.3.
Variant type: single nucleotide variant.
Coding change: c.94C>T on transcript NM_023936.2 (MANE Select); coding-DNA position 94, C replaced by T.
Protein change: p.Gln32Ter; replaces glutamine 32 with a stop codon.
Molecular consequence: nonsense.
Genome position (GRCh38, 1-based): chr16:1,773,026, G>A on the plus strand (C>T on the coding strand, the complement: MRPS34 is on the minus strand). VCF-style: chr16-1773026-G-A. GRCh37 (hg19) VCF-style: chr16-1823027-G-A.
Other names: MRPS34, GLN32TER (rs763672163); NM_001300900.1:c.94C>T(p.Gln32Ter); NM_023936.1:c.94C>T(p.Gln32Ter); c.94C>T, p.Gln32Ter (NM_001300900.2); short protein forms Q32*.
Identifiers: ClinVar variation 438635 (VCV000438635.77), dbSNP rs763672163, ClinGen allele CA7818435.